The following is an entry in ClinVar:

ClinVar aggregate classification (germline): Uncertain significance (1 of 4 stars; one submission).

gnomAD v4.1: 1 of 1,613,388 alleles (0.000062%); highest among the groups gnomAD compares: Admixed American, 0.0017%; no homozygotes.

Submission:

GeneDx
Classification: Uncertain significance. Last evaluated: 2025-07-23. Review status: criteria provided, single submitter. Criteria: GeneDx Variant Classification Process June 2021. Collection method: clinical testing. Allele origin: germline. Affected: yes.
Comment: Not observed at significant frequency in large population cohorts (gnomAD); In silico analysis suggests that this missense variant does not alter protein structure/function; Has not been previously published as pathogenic or benign to our knowledge

NM_001277062.2(MFF):c.226C>G (p.Leu76Val)

Gene: MFF (mitochondrial fission factor; plus strand). Cytogenetic location: 2q36.3.
Variant type: single nucleotide variant.
Coding change: c.226C>G on transcript NM_001277062.2 (MANE Select); coding-DNA position 226, C replaced by G.
Protein change: p.Leu76Val; replaces leucine 76 with valine.
Molecular consequence: missense variant. On other transcripts: non-coding transcript variant (1).
Genome position (GRCh38, 1-based): chr2:227,332,463, C>G. VCF-style: chr2-227332463-C-G. GRCh37 (hg19) VCF-style: chr2-228197179-C-G.
Other names: c.304C>G, p.Leu102Val (NM_001277061.2, NM_020194.5); c.226C>G, p.Leu76Val (NM_001277063.2, NM_001277064.2, NM_001277065.2 and 2 more transcripts); c.76C>G, p.Leu26Val (NM_001277067.1); short protein forms L102V, L26V, L76V.
Identifiers: ClinVar variation 4686898 (VCV004686898.1).
Genomic context (GRCh38, chr2:227,332,463, plus strand): 5'-TCTTGAAAACTCCTAGGAAATAATGAAGATGTTTCATTTTCAAGACCAGCAGATCTTGAC[C>G]TTATTCAGTCAACTCCCTTTAAACCCCTGGCACTGAAAACACCACCTCGTGTACTTACGC-3'
Protein context (NP_001263991.1, residues 66-86): VSFSRPADLD[Leu76Val]IQSTPFKPLA